The following is an entry in ClinVar:

NM_001291303.3(FAT4):c.13543G>A (p.Ala4515Thr)

Gene: FAT4 (FAT atypical cadherin 4; plus strand). Cytogenetic location: 4q28.1.
Variant type: single nucleotide variant.
Coding change: c.13543G>A on transcript NM_001291303.3 (MANE Select); coding-DNA position 13543, G replaced by A.
Protein change: p.Ala4515Thr; replaces alanine 4515 with threonine.
Molecular consequence: missense variant.
Genome position (GRCh38, 1-based): chr4:125,490,359, G>A. VCF-style: chr4-125490359-G-A. GRCh37 (hg19) VCF-style: chr4-126411514-G-A.
Other names: c.13543G>A (NM_001291303.1); c.13540G>A, p.Ala4514Thr (NM_001291285.3); c.13537G>A, p.Ala4513Thr (NM_024582.6); short protein forms A4513T, A4514T, A4515T.
Identifiers: ClinVar variation 1311910 (VCV001311910.13), dbSNP rs369929089, ClinGen allele CA3074386.

ClinVar aggregate classification (germline): Uncertain significance. Review status: criteria provided, multiple submitters, no conflicts (2 of 4 stars). 5 submissions from 5 submitters: Uncertain significance (5). Last evaluated 2025-04-14.

Conditions:
Van Maldergem syndrome 2 (VMLDS2). Identifiers: Orphanet 314679, MedGen C3809875, MONDO:0014242, OMIM 615546.
FAT4-related disorder. Also called: FAT4-related condition.
Hennekam lymphangiectasia-lymphedema syndrome 2 (HKLLS2). Identifiers: Orphanet 2136, MedGen C4014939, MONDO:0014454, OMIM 616006.

Allele frequency attached by ClinVar (database versions not stated): gnomAD 0.00003 and 0.00004; gnomAD exomes 0.00004; ExAC 0.00005; TOPMed 0.00005; ESP Exome Variant Server 0.00008.
gnomAD v4.1: 48 of 1,613,982 alleles (0.003%); highest among the groups gnomAD compares: South Asian, 0.014%; no homozygotes.

Submissions (5):

Victorian Clinical Genetics Services, Murdoch Childrens Research Institute
Classification: Uncertain significance for Hennekam lymphangiectasia-lymphedema syndrome 2. Last evaluated: 2025-04-14. Review status: criteria provided, single submitter. Criteria: ACMG Guidelines, 2015. Collection method: clinical testing. Allele origin: germline. Affected: yes.
Comment: This variant is classified as VUS-3A. Evidence in support of pathogenic classification: Variant is present in gnomAD <0.01 for a recessive condition (v4: 48 heterozygote(s), 0 homozygote(s)). Additional information: Variant is predicted to result in a missense amino acid change from alanine to threonine; This variant is heterozygous; This gene is associated with autosomal recessive disease; Alternative amino acid change(s) at the same position are present in gnomAD (Highest allele count: v4: 2 heterozygote(s), 0 homozygote(s)); Previous evidence of pathogenicity for this variant is inconclusive. This variant has been classified as a VUS by clinical laboratories in ClinVar; No published segregation evidence has been identified for this variant; No published functional evidence has been identified for this variant; Another missense variant type variant(s) comparable to the one identified in this case has inconclusive previous evidence for pathogenicity. p.(Ala4515Glu) has been classified as a VUS by a clinical laboratory in ClinVar; Variant is located in the annotated transmembrane domain (UniProt); Missense variant with inconclusive in silico prediction and uninformative conservation; Loss of function is a known mechanism of disease in this gene and is associated with Hennekam lymphangiectasia-lymphoedema syndrome 2 (MONDO:0014454).

PreventionGenetics, part of Exact Sciences
Classification: Uncertain significance for FAT4-related condition. Last evaluated: 2025-03-23. Review status: criteria provided, single submitter. Criteria: ACMG Guidelines, 2015. Collection method: clinical testing. Allele origin: germline.
Comment: The FAT4 c.13543G>A variant is predicted to result in the amino acid substitution p.Ala4515Thr. To our knowledge, this variant has not been reported in the literature. This variant is reported in 0.025% of alleles in individuals of African descent in gnomAD. At this time, the clinical significance of this variant is uncertain due to the absence of conclusive functional and genetic evidence.

Labcorp Genetics (formerly Invitae), Labcorp
Classification: Uncertain significance. Last evaluated: 2025-03-09. Review status: criteria provided, single submitter. Criteria: Invitae Variant Classification Sherloc (09022015). Collection method: clinical testing. Allele origin: germline.
Comment: This sequence change replaces alanine, which is neutral and non-polar, with threonine, which is neutral and polar, at codon 4513 of the FAT4 protein (p.Ala4513Thr). This variant is present in population databases (rs369929089, gnomAD 0.03%). This variant has not been reported in the literature in individuals affected with FAT4-related conditions. ClinVar contains an entry for this variant (Variation ID: 1311910). Invitae Evidence Modeling of protein sequence and biophysical properties (such as structural, functional, and spatial information, amino acid conservation, physicochemical variation, residue mobility, and thermodynamic stability) indicates that this missense variant is not expected to disrupt FAT4 protein function with a negative predictive value of 95%. In summary, the available evidence is currently insufficient to determine the role of this variant in disease. Therefore, it has been classified as a Variant of Uncertain Significance.

Clinical Genomics Laboratory, Washington University in St. Louis
Classification: Uncertain significance for Van Maldergem syndrome 2. Last evaluated: 2024-10-23. Review status: criteria provided, single submitter. Criteria: ACMG Guidelines, 2015. Collection method: clinical testing. Allele origin: germline.
Comment: A FAT4 c.13543G>A (p.Ala4515Thr) variant was identified at a heterozygous allelic fraction of 49.15%, a frequency which may be consistent with germline origin. This variant, to our knowledge, has not been reported in the medical literature and is only observed on 48/1,613,982 alleles in the general population (gnomAD v.4.1.0), indicating that it is not a common variant. This variant has been reported in the ClinVar database as a variant of uncertain significance by two submitters (ClinVar ID: 1311910). Computational predictors are uncertain as to the impact of this variant on FAT4 function. Due to limited information, and based on ACMG/AMP guidelines for variant interpretation (Richards S et al., PMID: 25741868), the clinical significance of this variant is uncertain at this time.

GeneDx
Classification: Uncertain significance. Last evaluated: 2020-01-16. Review status: criteria provided, single submitter. Criteria: GeneDx Variant Classification Process June 2021. Collection method: clinical testing. Allele origin: germline. Affected: yes.
Comment: In silico analysis, which includes protein predictors and evolutionary conservation, supports that this variant does not alter protein structure/function; Has not been previously published as pathogenic or benign to our knowledge